The following is an entry in ClinVar:

ClinVar aggregate classification (germline): Uncertain significance (1 of 4 stars; one submission).

Conditions:
Ataxia-telangiectasia syndrome (AT). Also called: ATAXIA-TELANGIECTASIA, COMPLEMENTATION GROUP A; ATAXIA-TELANGIECTASIA, FRESNO VARIANT; Ataxia-telangiectasia; Ataxia-telangiectasia, complementation group E; Ataxia telangiectasia (A-T); LOUIS-BAR SYNDROME. Identifiers: Orphanet 100, MedGen C0004135, MONDO:0008840, OMIM 208900.

gnomAD v4.1: 1 of 1,613,904 alleles (0.000062%); highest among the groups gnomAD compares: Non-Finnish European, 0.000085%; no homozygotes.

Submission:

Labcorp Genetics (formerly Invitae), Labcorp
Classification: Uncertain significance for Ataxia-telangiectasia syndrome. Last evaluated: 2025-01-06. Review status: criteria provided, single submitter. Criteria: Invitae Variant Classification Sherloc (09022015). Collection method: clinical testing. Allele origin: germline.
Comment: This sequence change replaces valine, which is neutral and non-polar, with leucine, which is neutral and non-polar, at codon 555 of the ATM protein (p.Val555Leu). This variant is not present in population databases (gnomAD no frequency). This variant has not been reported in the literature in individuals affected with ATM-related conditions. Invitae Evidence Modeling of protein sequence and biophysical properties (such as structural, functional, and spatial information, amino acid conservation, physicochemical variation, residue mobility, and thermodynamic stability) indicates that this missense variant is not expected to disrupt ATM protein function with a negative predictive value of 95%. In summary, the available evidence is currently insufficient to determine the role of this variant in disease. Therefore, it has been classified as a Variant of Uncertain Significance.

NM_000051.4(ATM):c.1663G>C (p.Val555Leu)

Gene: ATM (ATM serine/threonine kinase; plus strand). Cytogenetic location: 11q22.3.
Variant type: single nucleotide variant.
Coding change: c.1663G>C on transcript NM_000051.4 (MANE Select); coding-DNA position 1663, G replaced by C.
Protein change: p.Val555Leu; replaces valine 555 with leucine.
Molecular consequence: missense variant.
Genome position (GRCh38, 1-based): chr11:108,251,892, G>C. VCF-style: chr11-108251892-G-C. GRCh37 (hg19) VCF-style: chr11-108122619-G-C.
Other names: c.1663G>C, p.Val555Leu (NM_001351834.2); short protein forms V555L.
Identifiers: ClinVar variation 3720438 (VCV003720438.2).